The following is an entry in ClinVar:

ClinVar aggregate classification (germline): Conflicting classifications of pathogenicity. Review status: criteria provided, conflicting classifications (1 of 4 stars). 4 submissions from 4 submitters: Uncertain significance (1); Likely benign (3). Last evaluated 2026-01-01.

Conditions:
Leukodystrophy, hypomyelinating, 7, with or without oligodontia and/or hypogonadotropic hypogonadism (HLD7). Also called: LEUKODYSTROPHY, HYPOMYELINATING, 7, WITH OLIGODONTIA; LEUKODYSTROPHY, HYPOMYELINATING, 7, WITH OLIGODONTIA AND HYPOGONADOTROPIC HYPOGONADISM; LEUKODYSTROPHY, HYPOMYELINATING, 7, WITHOUT OLIGODONTIA OR HYPOGONADOTROPIC HYPOGONADISM; LEUKOENCEPHALOPATHY, HYPOMYELINATING, WITH ATAXIA AND DELAYED DENTITION; ATAXIA, DELAYED DENTITION, AND HYPOMYELINATION; Ataxia, Delayed Dentition and Hypomyelination (ADDH). Identifiers: Orphanet 137639, Orphanet 447893, Orphanet 447896, Orphanet 77295, Orphanet 88637, MedGen CN034185, MONDO:0011897, OMIM 607694.

Allele frequency attached by ClinVar (database versions not stated): ESP Exome Variant Server 0.00015; TOPMed 0.00016; gnomAD 0.00018 and 0.00019; gnomAD exomes 0.00020 and 0.00029; ExAC 0.00028.
gnomAD v4.1: 317 of 1,596,168 alleles (0.02%); highest among the groups gnomAD compares: Non-Finnish European, 0.024%; no homozygotes.

Submissions (4):

CeGaT Center for Human Genetics Tuebingen
Classification: Likely benign. Last evaluated: 2026-01-01. Review status: criteria provided, single submitter. Criteria: CeGaT Center For Human Genetics Tuebingen Variant Classification Criteria Version 2. Collection method: clinical testing. Allele origin: germline. Affected: yes. Observed: 3 variant alleles.
Comment: POLR3A: BP4, BP7

Labcorp Genetics (formerly Invitae), Labcorp
Classification: Likely benign. Last evaluated: 2025-11-25. Review status: criteria provided, single submitter. Criteria: Invitae Variant Classification Sherloc (09022015). Collection method: clinical testing. Allele origin: germline.

Blueprint Genetics
Classification: Likely benign. Last evaluated: 2023-07-24. Review status: criteria provided, single submitter. Criteria: ACMG Guidelines, 2015. Collection method: clinical testing. Allele origin: germline.

Illumina Laboratory Services, Illumina
Classification: Uncertain significance for Leukodystrophy, hypomyelinating, 7, with or without oligodontia and/or hypogonadotropic hypogonadism. Last evaluated: 2018-01-13. Review status: criteria provided, single submitter. Criteria: ICSL Variant Classification Criteria 13 December 2019. Collection method: clinical testing. Allele origin: germline.

NM_007055.4(POLR3A):c.2976C>T (p.Asn992=)

Gene: POLR3A (RNA polymerase III subunit A; minus strand). Cytogenetic location: 10q22.3.
Variant type: single nucleotide variant.
Coding change: c.2976C>T on transcript NM_007055.4 (MANE Select); coding-DNA position 2976, C replaced by T.
Protein change: p.Asn992=; no amino-acid change (asparagine 992 retained).
Molecular consequence: synonymous variant.
Genome position (GRCh38, 1-based): chr10:77,986,085, G>A on the plus strand (C>T on the coding strand, the complement: POLR3A is on the minus strand). VCF-style: chr10-77986085-G-A. GRCh37 (hg19) VCF-style: chr10-79745843-G-A.
Identifiers: ClinVar variation 301051 (VCV000301051.44), dbSNP rs143461869, ClinGen allele CA5570970.
Genomic context (GRCh38, chr10:77,986,085, plus strand): 5'-GCAACTACAAACAGCTCGGGGTTCTAACGCGTCTTGGAGGGATATTACCTCTGTTGTGCC[G>A]TTATCATTGATGCCATATTTATCTCTGGTTTTCTTGATCTTCTCAGAGACCCCCTTAATG-3'
Protein context (NP_008986.2, residues 982-1002): KTRDKYGIND[Asn992=]GTTEPRVLYQ